The following is an entry in ClinVar:

NM_144997.7(FLCN):c.12C>A (p.Ile4=)

Gene: FLCN (folliculin; minus strand). Cytogenetic location: 17p11.2.
Variant type: single nucleotide variant.
Coding change: c.12C>A on transcript NM_144997.7 (MANE Select); coding-DNA position 12, C replaced by A.
Protein change: p.Ile4=; no amino-acid change (isoleucine 4 retained).
Molecular consequence: synonymous variant.
Genome position (GRCh38, 1-based): chr17:17,228,126, G>T on the plus strand (C>A on the coding strand, the complement: FLCN is on the minus strand). VCF-style: chr17-17228126-G-T. GRCh37 (hg19) VCF-style: chr17-17131440-G-T.
Other names: c.12C>A, p.Ile4= (NM_001353229.2, NM_001353230.2, NM_001353231.2 and 1 more transcripts); c.12C>A (NM_144997.6).
Identifiers: ClinVar variation 738443 (VCV000738443.14), dbSNP rs752123350, ClinGen allele CA498167779.

ClinVar aggregate classification (germline): Benign/Likely benign. Review status: criteria provided, multiple submitters, no conflicts (2 of 4 stars). 4 submissions from 4 submitters: Benign (1); Likely benign (3). Last evaluated 2025-10-06.

Conditions:
Birt-Hogg-Dube syndrome. Also called: Birt Hogg Dubé syndrome. Identifiers: Orphanet 122, MedGen C0346010, MONDO:0800444.
Birt-Hogg-Dube syndrome 1 (BHD1). Also called: FIBROFOLLICULOMAS WITH TRICHODISCOMAS AND ACROCHORDONS. Identifiers: Orphanet 122, MedGen CN375946, MONDO:0800445, OMIM 135150.
Hereditary cancer-predisposing syndrome. Also called: Hereditary neoplastic syndrome; Neoplastic Syndromes, Hereditary; Tumor predisposition; Hereditary Cancer Syndrome. Identifiers: Orphanet 140162, MedGen C0027672, MeSH D009386, MONDO:0015356.

gnomAD v4.1: 3 of 1,612,824 alleles (0.00019%); highest among the groups gnomAD compares: African/African-American, 0.0013%; no homozygotes.

Submissions (4):

Labcorp Genetics (formerly Invitae), Labcorp
Classification: Likely benign for Birt-Hogg-Dube syndrome. Last evaluated: 2025-10-06. Review status: criteria provided, single submitter. Criteria: Invitae Variant Classification Sherloc (09022015). Collection method: clinical testing. Allele origin: germline.

Myriad Genetics, Inc.
Classification: Benign for Birt-Hogg-Dube syndrome 1. Last evaluated: 2024-10-22. Review status: criteria provided, single submitter. Criteria: Myriad Autosomal Dominant, Autosomal Recessive and X-Linked Classification Criteria (2023). Collection method: clinical testing. Allele origin: unknown.
Comment: This variant is considered benign. This variant is a silent/synonymous amino acid change and it is not expected to impact splicing.

Quest Diagnostics Nichols Institute San Juan Capistrano
Classification: Likely benign. Last evaluated: 2022-12-29. Review status: criteria provided, single submitter. Criteria: Quest Diagnostics criteria. Collection method: clinical testing. Allele origin: unknown.

Ambry Genetics
Classification: Likely benign for Hereditary cancer-predisposing syndrome. Last evaluated: 2021-05-10. Review status: criteria provided, single submitter. Criteria: Ambry Variant Classification Scheme 2023. Collection method: clinical testing. Allele origin: germline.